The following is an entry in ClinVar:

NM_001365536.1(SCN9A):c.3165A>C (p.Glu1055Asp)

Genes: SCN9A (sodium voltage-gated channel alpha subunit 9; minus strand), SCN1A-AS1 (SCN1A and SCN9A antisense RNA 1; plus strand). Cytogenetic location: 2q24.3.
Variant type: single nucleotide variant.
Coding change: c.3165A>C on transcript NM_001365536.1 (MANE Select); coding-DNA position 3165, A replaced by C.
Protein change: p.Glu1055Asp; replaces glutamic acid 1055 with aspartic acid.
Molecular consequence: missense variant.
Genome position (GRCh38, 1-based): chr2:166,272,585, T>G on the plus strand (A>C on the coding strand, the complement: SCN9A is on the minus strand). VCF-style: chr2-166272585-T-G. GRCh37 (hg19) VCF-style: chr2-167129095-T-G.
Other names: c.3132A>C, p.Glu1044Asp (NM_002977.4); short protein forms E1055D, E1044D.
Identifiers: ClinVar variation 2948346 (VCV002948346.3), dbSNP rs377554989, ClinGen allele CA349073466.

ClinVar aggregate classification (germline): Uncertain significance (1 of 4 stars; one submission).

Conditions:
Neuropathy, hereditary sensory and autonomic, type 2A (HSAN2A). Also called: ACROOSTEOLYSIS, GIACCAI TYPE; ACROOSTEOLYSIS, NEUROGENIC; MORVAN DISEASE; NEUROPATHY, CONGENITAL SENSORY; NEUROPATHY, HEREDITARY SENSORY RADICULAR, AUTOSOMAL RECESSIVE; NEUROPATHY, HEREDITARY SENSORY, TYPE IIA. Identifiers: Orphanet 970, MedGen C2752089, MONDO:0024309, OMIM 201300.
Generalized epilepsy with febrile seizures plus, type 7 (GEFSP7). Also called: GEFS+, TYPE 7. Identifiers: Orphanet 36387, MedGen C2751778, MONDO:0013470, OMIM 613863.

Submission:

Labcorp Genetics (formerly Invitae), Labcorp
Classification: Uncertain significance for Neuropathy, hereditary sensory and autonomic, type 2A; Generalized epilepsy with febrile seizures plus, type 7. Last evaluated: 2023-08-03. Review status: criteria provided, single submitter. Criteria: Invitae Variant Classification Sherloc (09022015). Collection method: clinical testing. Allele origin: germline.
Comment: In summary, the available evidence is currently insufficient to determine the role of this variant in disease. Therefore, it has been classified as a Variant of Uncertain Significance. Advanced modeling of protein sequence and biophysical properties (such as structural, functional, and spatial information, amino acid conservation, physicochemical variation, residue mobility, and thermodynamic stability) performed at Invitae indicates that this missense variant is not expected to disrupt SCN9A protein function. This variant has not been reported in the literature in individuals affected with SCN9A-related conditions. This variant is not present in population databases (gnomAD no frequency). This sequence change replaces glutamic acid, which is acidic and polar, with aspartic acid, which is acidic and polar, at codon 1044 of the SCN9A protein (p.Glu1044Asp).